The following is an entry in ClinVar:

ClinVar aggregate classification (germline): Uncertain significance. Review status: criteria provided, multiple submitters, no conflicts (2 of 4 stars). 2 submissions from 2 submitters: Uncertain significance (2). Last evaluated 2022-04-07.

Conditions:
Inborn genetic diseases. Identifiers: MedGen C0950123, MeSH D030342.

Allele frequency attached by ClinVar (database versions not stated): gnomAD 0.00002 and 0.00004; gnomAD exomes 0.00002 and 0.00003; TOPMed 0.00002; ExAC 0.00006; 1000 Genomes Project 30x 0.00031; 1000 Genomes Project 0.00040.
gnomAD v4.1: 34 of 1,613,034 alleles (0.0021%); highest among the groups gnomAD compares: East Asian, 0.013%; no homozygotes.

Submissions (2):

Labcorp Genetics (formerly Invitae), Labcorp
Classification: Uncertain significance. Last evaluated: 2022-04-07. Review status: criteria provided, single submitter. Criteria: Invitae Variant Classification Sherloc (09022015). Collection method: clinical testing. Allele origin: germline.
Comment: This sequence change replaces serine, which is neutral and polar, with leucine, which is neutral and non-polar, at codon 795 of the C7 protein (p.Ser795Leu). This variant is present in population databases (rs201818141, gnomAD 0.02%). This variant has not been reported in the literature in individuals affected with C7-related conditions. Algorithms developed to predict the effect of missense changes on protein structure and function output the following: SIFT: "Tolerated"; PolyPhen-2: "Benign"; Align-GVGD: "Class C0". The leucine amino acid residue is found in multiple mammalian species, which suggests that this missense change does not adversely affect protein function. In summary, the available evidence is currently insufficient to determine the role of this variant in disease. Therefore, it has been classified as a Variant of Uncertain Significance.

Ambry Genetics
Classification: Uncertain significance for Inborn genetic diseases. Last evaluated: 2021-09-16. Review status: criteria provided, single submitter. Criteria: Ambry Variant Classification Scheme 2023. Collection method: clinical testing. Allele origin: germline.

NM_000587.4(C7):c.2384C>T (p.Ser795Leu)

Gene: C7 (complement C7; plus strand). Cytogenetic location: 5p13.1.
Variant type: single nucleotide variant.
Coding change: c.2384C>T on transcript NM_000587.4 (MANE Select); coding-DNA position 2384, C replaced by T.
Protein change: p.Ser795Leu; replaces serine 795 with leucine.
Molecular consequence: missense variant.
Genome position (GRCh38, 1-based): chr5:40,981,425, C>T. VCF-style: chr5-40981425-C-T. GRCh37 (hg19) VCF-style: chr5-40981527-C-T.
Other names: c.2384C>T (NM_000587.2); short protein forms S795L.
Identifiers: ClinVar variation 1385326 (VCV001385326.6), dbSNP rs201818141, ClinGen allele CA3250297.
Genomic context (GRCh38, chr5:40,981,425, plus strand): 5'-TTAAGCCTCTTTCACTTACTTTTCCAGCTGAGAGCAGCAAATGTGTCTGCCGAGAAGCAT[C>T]GGAGTGCGAGGAAGAAGGGTTTAGCATTTGTGTGGAAGTGAACGGCAAGGAGCAGACGAT-3'
Protein context (NP_000578.2, residues 785-805): ESSKCVCREA[Ser795Leu]ECEEEGFSIC